The following is an entry in ClinVar:

NM_001199107.2(TBC1D24):c.759G>C (p.Lys253Asn)

Gene: TBC1D24 (TBC1 domain family member 24; plus strand). Cytogenetic location: 16p13.3.
Variant type: single nucleotide variant.
Coding change: c.759G>C on transcript NM_001199107.2 (MANE Select); coding-DNA position 759, G replaced by C.
Protein change: p.Lys253Asn; replaces lysine 253 with asparagine.
Molecular consequence: missense variant.
Genome position (GRCh38, 1-based): chr16:2,496,907, G>C. VCF-style: chr16-2496907-G-C. GRCh37 (hg19) VCF-style: chr16-2546908-G-C.
Other names: c.759G>C, p.Lys253Asn (NM_020705.3); short protein forms K253N.
Identifiers: ClinVar variation 1447281 (VCV001447281.8), dbSNP rs190306450, ClinGen allele CA394377196.

ClinVar aggregate classification (germline): Uncertain significance (1 of 4 stars; one submission).

Conditions:
Autosomal dominant nonsyndromic hearing loss 65. Also called: Deafness, autosomal dominant 65; TBC1D24-Related Autosomal Dominant Nonsyndromic Hearing Loss (DFNA). Identifiers: Orphanet 90635, MedGen C3892048, MONDO:0014470, OMIM 616044.
Developmental and epileptic encephalopathy, 1 (DEE1). Also called: X-linked infantile spasms; West's syndrome; Tonic spasms with clustering, arrest of psychomotor development and hypsarrhythmia on EEG; X-Linked Infantile Spasm Syndrome; OHTAHARA SYNDROME, X-LINKED; INFANTILE SPASM SYNDROME, X-LINKED 1. Identifiers: MedGen C3463992, MONDO:0010632, OMIM 308350. Disease mechanism: loss of function.

Submission:

Labcorp Genetics (formerly Invitae), Labcorp
Classification: Uncertain significance for Developmental and epileptic encephalopathy, 1; Autosomal dominant nonsyndromic hearing loss 65. Last evaluated: 2022-04-15. Review status: criteria provided, single submitter. Criteria: Invitae Variant Classification Sherloc (09022015). Collection method: clinical testing. Allele origin: germline.
Comment: Advanced modeling of protein sequence and biophysical properties (such as structural, functional, and spatial information, amino acid conservation, physicochemical variation, residue mobility, and thermodynamic stability) performed at Invitae indicates that this missense variant is expected to disrupt TBC1D24 protein function. In summary, the available evidence is currently insufficient to determine the role of this variant in disease. Therefore, it has been classified as a Variant of Uncertain Significance. This variant has not been reported in the literature in individuals affected with TBC1D24-related conditions. This variant is not present in population databases (gnomAD no frequency). This sequence change replaces lysine, which is basic and polar, with asparagine, which is neutral and polar, at codon 253 of the TBC1D24 protein (p.Lys253Asn).